The following is an entry in ClinVar:

ClinVar aggregate classification (germline): Benign. Review status: criteria provided, single submitter (1 of 4 stars). 2 submissions from 2 submitters: Benign (1). 1 of the submissions does not count toward it. Last evaluated 2026-02-03.

Conditions:
NEDD4L-related disorder. Also called: NEDD4L-related condition.

Allele frequency attached by ClinVar (database versions not stated): ESP Exome Variant Server 0.00008; gnomAD exomes 0.00025; gnomAD 0.00031.
gnomAD v4.1: 345 of 1,612,214 alleles (0.021%); highest among the groups gnomAD compares: Admixed American, 0.1%; no homozygotes.

Submissions (2):

Labcorp Genetics (formerly Invitae), Labcorp
Classification: Benign. Last evaluated: 2026-02-03. Review status: criteria provided, single submitter. Criteria: Invitae Variant Classification Sherloc (09022015). Collection method: clinical testing. Allele origin: germline.

PreventionGenetics, part of Exact Sciences
Classification: Likely benign for NEDD4L-related condition. Last evaluated: 2021-09-02. Review status: no assertion criteria provided. Collection method: clinical testing. Allele origin: germline. Not counted in ClinVar's aggregate classification.
Comment: This variant is classified as likely benign based on ACMG/AMP sequence variant interpretation guidelines (Richards et al. 2015 PMID: 25741868, with internal and published modifications).

NM_001144967.3(NEDD4L):c.1197G>A (p.Gly399=)

Gene: NEDD4L (NEDD4 like E3 ubiquitin protein ligase; plus strand). Cytogenetic location: 18q21.31.
Variant type: single nucleotide variant.
Coding change: c.1197G>A on transcript NM_001144967.3 (MANE Select); coding-DNA position 1197, G replaced by A.
Protein change: p.Gly399=; no amino-acid change (glycine 399 retained).
Molecular consequence: synonymous variant. On other transcripts: intron variant (1).
Genome position (GRCh38, 1-based): chr18:58,341,109, G>A. VCF-style: chr18-58341109-G-A. GRCh37 (hg19) VCF-style: chr18-56008341-G-A.
Other names: c.834G>A, p.Gly278= (NM_001144964.1, NM_001144965.2, NM_001144966.3); c.1173G>A, p.Gly391= (NM_001144968.2); c.1113G>A, p.Gly371= (NM_001144969.2); c.774G>A, p.Gly258= (NM_001144970.3, NM_001144971.2); c.1137G>A, p.Gly379= (NM_015277.6); c.1066-569G>A (NM_001243960.2).
Identifiers: ClinVar variation 697067 (VCV000697067.12), dbSNP rs368597288, ClinGen allele CA8975612.